The following is an entry in ClinVar:

ClinVar aggregate classification (germline): Pathogenic (1 of 4 stars; one submission).

Conditions:
Familial cancer of breast. Also called: hereditary breast carcinoma; BREAST CANCER, FAMILIAL; Hereditary breast cancer. Identifiers: Orphanet 227535, MedGen C0346153, MONDO:0016419, OMIM 114480. Disease mechanism: loss of function.

Submission:

Myriad Genetics, Inc.
Classification: Pathogenic for Familial cancer of breast. Last evaluated: 2024-01-30. Review status: criteria provided, single submitter. Criteria: Myriad Autosomal Dominant, Autosomal Recessive and X-Linked Classification Criteria (2023). Collection method: clinical testing. Allele origin: unknown.
Comment: This variant is considered pathogenic. This variant creates a termination codon and is predicted to result in premature protein truncation.

NM_000051.4(ATM):c.7069_7081del (p.Ile2356_Met2357insTer)

Genes: ATM (ATM serine/threonine kinase; plus strand), C11orf65 (chromosome 11 open reading frame 65; minus strand). Cytogenetic location: 11q22.3.
Variant type: Deletion.
Coding change: c.7069_7081del on transcript NM_000051.4 (MANE Select); coding-DNA positions 7069 to 7081, 13 bases deleted (ATGCAGACCTATC).
Protein change: p.Ile2356_Met2357insTer.
Molecular consequence: nonsense. On other transcripts: intron variant (2).
Genome position (GRCh38, 1-based): chr11:108,327,738-108,327,750, ATGCAGACCTATC deleted; deleting any 13 consecutive bases within chr11:108,327,735-108,327,750 gives the same sequence; the c. name uses the placement nearest the transcript's 3' end. VCF-style (leftmost placement, unchanged base first): chr11-108327734-CATCATGCAGACCT-C. GRCh37 (hg19) VCF-style: chr11-108198461-CATCATGCAGACCT-C.
Other names: c.641-18676_641-18664del (NM_001330368.2); c.*38+7473_*38+7485del (NM_001351110.2); c.7069_7081del, p.Ile2356_Met2357insTer (NM_001351834.2).
Identifiers: ClinVar variation 3148599 (VCV003148599.1), dbSNP rs2547233672, ClinGen allele CA2825001943.
Genomic context (GRCh38, chr11:108,327,734, plus strand): 5'-AGAATGTCTGAGGGTTTGTGGCAACTGGTTAGCAGAAACGTGCTTAGAAAATCCTGCGGT[CATCATGCAGACCT>C]ATCTAGAAAAGGTAAGATTTTTGGAGCAACCCTTAAGATAGTTACTTAGCATGAATATGC-3'